The following is an entry in ClinVar:

NM_006329.4(FBLN5):c.1186-3T>C

Gene: FBLN5 (fibulin 5; minus strand). Cytogenetic location: 14q32.12.
Variant type: single nucleotide variant.
Coding change: c.1186-3T>C on transcript NM_006329.4 (MANE Select); 3 bases into the intron before coding-DNA position 1186, T replaced by C.
Molecular consequence: intron variant.
Genome position (GRCh38, 1-based): chr14:91,870,388, A>G on the plus strand (T>C on the coding strand, the complement: FBLN5 is on the minus strand). VCF-style: chr14-91870388-A-G. GRCh37 (hg19) VCF-style: chr14-92336732-A-G.
Other names: c.1365-3T>C (NM_001384160.1); c.1309-3T>C (NM_001384158.1); c.1018-3T>C (NM_001384162.1); c.1197-3T>C (NM_001384161.1); c.1237-3T>C (NM_001384159.1).
Identifiers: ClinVar variation 2986938 (VCV002986938.3), dbSNP rs111561173, ClinGen allele CA265591790.
Genomic context (GRCh38, chr14:91,870,388, plus strand): 5'-CCCGGGGCCCTTTGATGGGGCGTGTCATCACCAGGGTGGCACTGATGGGGCCCGTTTGCT[A>G]TGGACAGAACCGGGGAACACCAGTGAGAAAAGGCCTGCATGGTGGCCCTGCAGCCCCACC-3'

ClinVar aggregate classification (germline): Uncertain significance (1 of 4 stars; one submission).

Allele frequency attached by ClinVar (database versions not stated): gnomAD 0.00001; gnomAD exomes 0.00001.
gnomAD v4.1: 10 of 1,613,388 alleles (0.00062%); highest among the groups gnomAD compares: Admixed American, 0.0033%; no homozygotes.

Submission:

Labcorp Genetics (formerly Invitae), Labcorp
Classification: Uncertain significance. Last evaluated: 2025-01-27. Review status: criteria provided, single submitter. Criteria: Invitae Variant Classification Sherloc (09022015). Collection method: clinical testing. Allele origin: germline.
Comment: This sequence change falls in intron 10 of the FBLN5 gene. It does not directly change the encoded amino acid sequence of the FBLN5 protein. It affects a nucleotide within the consensus splice site. This variant is not present in population databases (gnomAD no frequency). This variant has not been reported in the literature in individuals affected with FBLN5-related conditions. ClinVar contains an entry for this variant (Variation ID: 2986938). Variants that disrupt the consensus splice site are a relatively common cause of aberrant splicing (PMID: 17576681, 9536098). Algorithms developed to predict the effect of sequence changes on RNA splicing suggest that this variant is not likely to affect RNA splicing. In summary, the available evidence is currently insufficient to determine the role of this variant in disease. Therefore, it has been classified as a Variant of Uncertain Significance.

Literature cited by the submitters: PubMed 17576681; PubMed 9536098.